The following is an entry in ClinVar:

NM_001318852.2(MAPK8IP3):c.2985C>A (p.His995Gln)

Gene: MAPK8IP3 (mitogen-activated protein kinase 8 interacting protein 3; plus strand). Cytogenetic location: 16p13.3.
Variant type: single nucleotide variant.
Coding change: c.2985C>A on transcript NM_001318852.2 (MANE Select); coding-DNA position 2985, C replaced by A.
Protein change: p.His995Gln; replaces histidine 995 with glutamine.
Molecular consequence: missense variant.
Genome position (GRCh38, 1-based): chr16:1,766,768, C>A. VCF-style: chr16-1766768-C-A. GRCh37 (hg19) VCF-style: chr16-1816769-C-A.
Other names: c.2964C>A, p.His988Gln (NM_001040439.2); c.2982C>A, p.His994Gln (NM_015133.5); short protein forms H988Q, H994Q, H995Q.
Identifiers: ClinVar variation 3381408 (VCV003381408.1).

ClinVar aggregate classification (germline): Uncertain significance (1 of 4 stars; one submission).

gnomAD v4.1: 3 of 1,612,750 alleles (0.00019%); highest among the groups gnomAD compares: Non-Finnish European, 0.00025%; no homozygotes.

Submission:

GeneDx
Classification: Uncertain significance. Last evaluated: 2024-05-23. Review status: criteria provided, single submitter. Criteria: GeneDx Variant Classification Process June 2021. Collection method: clinical testing. Allele origin: germline. Affected: yes.
Comment: Not observed at significant frequency in large population cohorts (gnomAD); In silico analysis supports that this missense variant has a deleterious effect on protein structure/function; Has not been previously published as pathogenic or benign to our knowledge